The following is an entry in ClinVar:

NM_001232.4(CASQ2):c.45del (p.Ser16fs)

Gene: CASQ2 (calsequestrin 2; minus strand). Cytogenetic location: 1p13.1.
Variant type: Deletion.
Coding change: c.45del on transcript NM_001232.4 (MANE Select); coding-DNA position 45, one base deleted (C; older notation c.45delC).
Protein change: p.Ser16fs; shifts the reading frame from serine 16.
Molecular consequence: frameshift variant.
Genome position (GRCh38, 1-based): chr1:115,768,497, G deleted on the plus strand (C on the coding strand, the reverse complement: CASQ2 is on the minus strand); the first of 2 consecutive G bases (chr1:115,768,497-115,768,498); deleting either gives the same sequence. VCF-style (leftmost placement, unchanged base first): chr1-115768496-AG-A. GRCh37 (hg19) VCF-style: chr1-116311117-AG-A.
Other names: short protein forms S16fs.
Identifiers: ClinVar variation 3688556 (VCV003688556.2).
Genomic context (GRCh38, chr1:115,768,496, plus strand): 5'-TTACCACTCGGTCCTTCCCATCATATGTGGGGAAATTAAGCCCCTCTTCTGCCCTGCAAG[AG>A]GACAGAAAATAAATCCCCACAATAAACAAGTGAGTTCTCTTCATTTGGGAAAACTTTTGT-3'

ClinVar aggregate classification (germline): Pathogenic (1 of 4 stars; one submission).

Conditions:
Catecholaminergic polymorphic ventricular tachycardia 1. Also called: VENTRICULAR TACHYCARDIA, STRESS-INDUCED POLYMORPHIC 1; VENTRICULAR TACHYCARDIA, CATECHOLAMINERGIC POLYMORPHIC, 1, WITH OR WITHOUT ATRIAL DYSFUNCTION AND/OR DILATED CARDIOMYOPATHY; RYR2-Related Catecholaminergic Polymorphic Ventricular Tachycardia. Identifiers: Orphanet 3286, MedGen C1631597, MONDO:0011484, OMIM 604772.

Submission:

Labcorp Genetics (formerly Invitae), Labcorp
Classification: Pathogenic for Catecholaminergic polymorphic ventricular tachycardia 1. Last evaluated: 2024-11-05. Review status: criteria provided, single submitter. Criteria: Invitae Variant Classification Sherloc (09022015). Collection method: clinical testing. Allele origin: germline.
Comment: This sequence change creates a premature translational stop signal (p.Ser16Leufs*20) in the CASQ2 gene. It is expected to result in an absent or disrupted protein product. Loss-of-function variants in CASQ2 are known to be pathogenic (PMID: 12386154). This variant is not present in population databases (gnomAD no frequency). This variant has not been reported in the literature in individuals affected with CASQ2-related conditions. For these reasons, this variant has been classified as Pathogenic.

Literature cited by the submitters: PubMed 12386154.